The following is an entry in ClinVar:

ClinVar aggregate classification (germline): Conflicting classifications of pathogenicity. Review status: criteria provided, conflicting classifications (1 of 4 stars). 3 submissions from 3 submitters: Uncertain significance (2); Likely benign (1). Last evaluated 2025-04-03.

Conditions:
Inborn genetic diseases. Identifiers: MedGen C0950123, MeSH D030342.
AHDC1-related intellectual disability - obstructive sleep apnea - mild dysmorphism syndrome. Also called: Xia-Gibbs syndrome. Identifiers: Orphanet 412069, MedGen C4014419, MONDO:0014358, OMIM 615829.

gnomAD v4.1: 2 of 1,602,332 alleles (0.00012%); highest among the groups gnomAD compares: Admixed American, 0.0017%; no homozygotes.

Submissions (3):

Ambry Genetics
Classification: Likely benign for Inborn genetic diseases. Last evaluated: 2025-04-03. Review status: criteria provided, single submitter. Criteria: Ambry Variant Classification Scheme 2023. Collection method: clinical testing. Allele origin: germline.

Labcorp Genetics (formerly Invitae), Labcorp
Classification: Uncertain significance. Last evaluated: 2025-03-31. Review status: criteria provided, single submitter. Criteria: Invitae Variant Classification Sherloc (09022015). Collection method: clinical testing. Allele origin: germline.
Comment: This sequence change replaces glycine, which is neutral and non-polar, with glutamic acid, which is acidic and polar, at codon 711 of the AHDC1 protein (p.Gly711Glu). This variant is present in population databases (no rsID available, gnomAD 0.003%). This variant has not been reported in the literature in individuals affected with AHDC1-related conditions. ClinVar contains an entry for this variant (Variation ID: 2160635). An algorithm developed to predict the effect of missense changes on protein structure and function (PolyPhen-2) suggests that this variant is likely to be disruptive. In summary, the available evidence is currently insufficient to determine the role of this variant in disease. Therefore, it has been classified as a Variant of Uncertain Significance.

Revvity Omics, Revvity
Classification: Uncertain significance for AHDC1-related intellectual disability - obstructive sleep apnea - mild dysmorphism syndrome. Last evaluated: 2021-06-23. Review status: criteria provided, single submitter. Criteria: ACMG Guidelines, 2015. Collection method: clinical testing. Allele origin: germline.

NM_001371928.1(AHDC1):c.2132G>A (p.Gly711Glu)

Gene: AHDC1 (AT-hook DNA binding motif containing 1; minus strand). Cytogenetic location: 1p36.11.
Variant type: single nucleotide variant.
Coding change: c.2132G>A on transcript NM_001371928.1 (MANE Select); coding-DNA position 2132, G replaced by A.
Protein change: p.Gly711Glu; replaces glycine 711 with glutamic acid.
Molecular consequence: missense variant.
Genome position (GRCh38, 1-based): chr1:27,549,984, C>T on the plus strand (G>A on the coding strand, the complement: AHDC1 is on the minus strand). VCF-style: chr1-27549984-C-T. GRCh37 (hg19) VCF-style: chr1-27876495-C-T.
Other names: c.2132G>A, p.Gly711Glu (NM_001029882.3); c.2132G>A (NM_001029882.2); short protein forms G711E.
Identifiers: ClinVar variation 2160635 (VCV002160635.8), dbSNP rs908409288, ClinGen allele CA19876688.